The following is an entry in ClinVar:

NM_014921.5(ADGRL1):c.2266C>G (p.Leu756Val)

Genes: ADGRL1 (adhesion G protein-coupled receptor L1; minus strand), ADGRL1-AS1 (ADGRL1 antisense RNA 1; plus strand). Cytogenetic location: 19p13.12.
Variant type: single nucleotide variant.
Coding change: c.2266C>G on transcript NM_014921.5 (MANE Select); coding-DNA position 2266, C replaced by G.
Protein change: p.Leu756Val; replaces leucine 756 with valine.
Molecular consequence: missense variant.
Genome position (GRCh38, 1-based): chr19:14,158,436, G>C on the plus strand (C>G on the coding strand, the complement: ADGRL1 is on the minus strand). VCF-style: chr19-14158436-G-C. GRCh37 (hg19) VCF-style: chr19-14269248-G-C.
Other names: c.2281C>G, p.Leu761Val (NM_001008701.3); short protein forms L756V, L761V.
Identifiers: ClinVar variation 4538478 (VCV004538478.1).
Genomic context (GRCh38, chr19:14,158,436, plus strand): 5'-GGAAGACGCGGCTGGACTCCTTGTTGATGGATGCTGCGATGACCTGTGAGTTCACCACTA[G>C]AGAGGCGCCCCCAGGGCCACCCGGGCCTGCTTCGCCGGCCAGCTTCACTGTGGCATTCTC-3'
Protein context (NP_055736.2, residues 746-766): AGPGGPGGAS[Leu756Val]VVNSQVIAAS

ClinVar aggregate classification (germline): Uncertain significance (1 of 4 stars; one submission).

Conditions:
Developmental delay, behavioral abnormalities, and neuropsychiatric disorders (DEDBANP). Identifiers: MedGen C5774224, MONDO:0859292, OMIM 620065.

gnomAD v4.1: 3 of 1,613,824 alleles (0.00019%); highest among the groups gnomAD compares: Admixed American, 0.0017%; no homozygotes.

Submission:

Genetics Department, Catlab
Classification: Uncertain significance for Developmental delay, behavioral abnormalities, and neuropsychiatric disorders. Last evaluated: 2025-12-18. Review status: criteria provided, single submitter. Criteria: ACMG Guidelines, 2015. Collection method: clinical testing. Allele origin: germline. Affected: yes.
Comment: The c.2281C>G missense variant has a very low frequency in gnomAD v4.1 (AF= 2.0527e-06) (PM2_moderate) and the REVEL score assigned to the variant is 0.093 (BP4_moderate). With all the available evidence, the variant is classified as of uncertain significance.